The following is an entry in ClinVar:

ClinVar aggregate classification (germline): Uncertain significance. Review status: criteria provided, multiple submitters, no conflicts (2 of 4 stars). 2 submissions from 2 submitters: Uncertain significance (2). Last evaluated 2024-02-09.

Conditions:
Maturity-onset diabetes of the young type 6 (MODY6). Identifiers: Orphanet 552, MedGen C1853371, MONDO:0011668, OMIM 606394.
Type 2 diabetes mellitus. Also called: Type II diabetes mellitus. Identifiers: MedGen C0011860, MeSH D003924, MONDO:0005148, OMIM 125853, HP:0005978.

Allele frequency attached by ClinVar (database versions not stated): ExAC 0.00001; TOPMed 0.00002; ESP Exome Variant Server 0.00008.

Submissions (2):

Fulgent Genetics
Classification: Uncertain significance for Type 2 diabetes mellitus; Maturity-onset diabetes of the young type 6. Last evaluated: 2024-02-09. Review status: criteria provided, single submitter. Criteria: ACMG Guidelines, 2015. Collection method: clinical testing. Allele origin: germline.

Labcorp Genetics (formerly Invitae), Labcorp
Classification: Uncertain significance. Last evaluated: 2022-05-05. Review status: criteria provided, single submitter. Criteria: Invitae Variant Classification Sherloc (09022015). Collection method: clinical testing. Allele origin: germline.
Comment: This variant has not been reported in the literature in individuals affected with NEUROD1-related conditions. Algorithms developed to predict the effect of missense changes on protein structure and function (SIFT, PolyPhen-2, Align-GVGD) all suggest that this variant is likely to be tolerated. In summary, the available evidence is currently insufficient to determine the role of this variant in disease. Therefore, it has been classified as a Variant of Uncertain Significance. This sequence change replaces leucine, which is neutral and non-polar, with proline, which is neutral and non-polar, at codon 10 of the NEUROD1 protein (p.Leu10Pro). This variant is not present in population databases (gnomAD no frequency).

NM_002500.5(NEUROD1):c.29T>C (p.Leu10Pro)

Gene: NEUROD1 (neuronal differentiation 1; minus strand). Cytogenetic location: 2q31.3.
Variant type: single nucleotide variant.
Coding change: c.29T>C on transcript NM_002500.5 (MANE Select); coding-DNA position 29, T replaced by C.
Protein change: p.Leu10Pro; replaces leucine 10 with proline.
Molecular consequence: missense variant.
Genome position (GRCh38, 1-based): chr2:181,678,832, A>G on the plus strand (T>C on the coding strand, the complement: NEUROD1 is on the minus strand). VCF-style: chr2-181678832-A-G. GRCh37 (hg19) VCF-style: chr2-182543559-A-G.
Other names: short protein forms L10P.
Identifiers: ClinVar variation 1962103 (VCV001962103.6), dbSNP rs142156702, ClinGen allele CA2011201.